The following is an entry in ClinVar:

NM_005918.4(MDH2):c.751A>G (p.Met251Val)

Gene: MDH2 (malate dehydrogenase 2; plus strand). Cytogenetic location: 7q11.23.
Variant type: single nucleotide variant.
Coding change: c.751A>G on transcript NM_005918.4 (MANE Select); coding-DNA position 751, A replaced by G.
Protein change: p.Met251Val; replaces methionine 251 with valine.
Molecular consequence: missense variant.
Genome position (GRCh38, 1-based): chr7:76,064,819, A>G. VCF-style: chr7-76064819-A-G. GRCh37 (hg19) VCF-style: chr7-75694137-A-G.
Other names: c.625A>G, p.Met209Val (NM_001282403.2); c.430A>G, p.Met144Val (NM_001282404.2); short protein forms M144V, M251V, M209V.
Identifiers: ClinVar variation 2227825 (VCV002227825.7), dbSNP rs782408477, ClinGen allele CA4305701.

ClinVar aggregate classification (germline): Conflicting classifications of pathogenicity. Review status: criteria provided, conflicting classifications (1 of 4 stars). 4 submissions from 4 submitters: Likely pathogenic (1); Uncertain significance (2). 1 of the submissions does not count toward it. Last evaluated 2024-12-12.

Conditions:
Inborn genetic diseases. Identifiers: MedGen C0950123, MeSH D030342.
Developmental and epileptic encephalopathy, 51 (DEE51). Also called: Epileptic encephalopathy, early infantile, 51. Identifiers: MedGen C4479208, MONDO:0015025, OMIM 617339.
Developmental and epileptic encephalopathy, 1 (DEE1). Also called: X-linked infantile spasms; West's syndrome; Tonic spasms with clustering, arrest of psychomotor development and hypsarrhythmia on EEG; X-Linked Infantile Spasm Syndrome; OHTAHARA SYNDROME, X-LINKED; INFANTILE SPASM SYNDROME, X-LINKED 1. Identifiers: MedGen C3463992, MONDO:0010632, OMIM 308350. Disease mechanism: loss of function.

Allele frequency attached by ClinVar (database versions not stated): gnomAD exomes below 0.00001; ExAC 0.00001.
gnomAD v4.1: 2 of 1,613,912 alleles (0.00012%); highest among the groups gnomAD compares: South Asian, 0.0022%; no homozygotes.

Submissions (4):

Clinical Genetics Laboratory, Skane University Hospital Lund
Classification: Likely pathogenic for Developmental and epileptic encephalopathy, 1. Last evaluated: 2024-12-12. Review status: criteria provided, single submitter. Criteria: ACMG Guidelines, 2015. Collection method: clinical testing. Allele origin: germline. Inheritance: Autosomal recessive inheritance. Affected: yes.
Comment: ACMG criteria used: PS4_Supporting, PM2, PP1_Strong, PP3

Labcorp Genetics (formerly Invitae), Labcorp
Classification: Uncertain significance. Last evaluated: 2024-08-31. Review status: criteria provided, single submitter. Criteria: Invitae Variant Classification Sherloc (09022015). Collection method: clinical testing. Allele origin: germline.
Comment: This sequence change replaces methionine, which is neutral and non-polar, with valine, which is neutral and non-polar, at codon 251 of the MDH2 protein (p.Met251Val). This variant is present in population databases (rs782408477, gnomAD 0.006%). This missense change has been observed in individual(s) with clinical features of MDH2-related conditions (PMID: 36420423). It has also been observed to segregate with disease in related individuals. ClinVar contains an entry for this variant (Variation ID: 2227825). Invitae Evidence Modeling of protein sequence and biophysical properties (such as structural, functional, and spatial information, amino acid conservation, physicochemical variation, residue mobility, and thermodynamic stability) indicates that this missense variant is not expected to disrupt MDH2 protein function with a negative predictive value of 80%. In summary, the available evidence is currently insufficient to determine the role of this variant in disease. Therefore, it has been classified as a Variant of Uncertain Significance.

Ambry Genetics
Classification: Uncertain significance for Inborn genetic diseases. Last evaluated: 2024-02-20. Review status: criteria provided, single submitter. Criteria: Ambry Variant Classification Scheme 2023. Collection method: clinical testing. Allele origin: germline.
Comment: The c.751A>G (p.M251V) alteration is located in coding exon 8 of the MDH2 gene. This alteration results from an A to G substitution at nucleotide position 751, causing the methionine (M) at amino acid position 251 to be replaced by a valine (V). Based on data from gnomAD, the G allele has an overall frequency of <0.001% (1/251114) total alleles studied. The highest observed frequency was 0.003% (1/30598) of South Asian alleles. This alteration was reported in the homozygous state in two siblings with features consistent with MDH2-related developmental and epileptic encephalopathy (Priestley, 2022). This amino acid position is highly conserved in available vertebrate species. This alteration is predicted to be deleterious by in silico analysis. Based on insufficient or conflicting evidence, the clinical significance of this alteration remains unclear.

OMIM
Classification: Pathogenic for DEVELOPMENTAL AND EPILEPTIC ENCEPHALOPATHY 51. Last evaluated: 2024-02-19. Review status: no assertion criteria provided. Collection method: literature only. Allele origin: germline. Not counted in ClinVar's aggregate classification.

Literature cited by the submitters: PubMed 36420423 (cited by 4 submitters).